The following is an entry in ClinVar:

ClinVar aggregate classification (germline): Uncertain significance (1 of 4 stars; one submission).

Submission:

Labcorp Genetics (formerly Invitae), Labcorp
Classification: Uncertain significance. Last evaluated: 2023-11-27. Review status: criteria provided, single submitter. Criteria: Invitae Variant Classification Sherloc (09022015). Collection method: clinical testing. Allele origin: germline.
Comment: This sequence change replaces leucine, which is neutral and non-polar, with phenylalanine, which is neutral and non-polar, at codon 74 of the UROS protein (p.Leu74Phe). This variant is not present in population databases (gnomAD no frequency). This variant has not been reported in the literature in individuals affected with UROS-related conditions. ClinVar contains an entry for this variant (Variation ID: 2058649). Advanced modeling of protein sequence and biophysical properties (such as structural, functional, and spatial information, amino acid conservation, physicochemical variation, residue mobility, and thermodynamic stability) performed at Invitae indicates that this missense variant is not expected to disrupt UROS protein function with a negative predictive value of 80%. In summary, the available evidence is currently insufficient to determine the role of this variant in disease. Therefore, it has been classified as a Variant of Uncertain Significance.

NM_000375.3(UROS):c.222G>C (p.Leu74Phe)

Gene: UROS (uroporphyrinogen III synthase; minus strand). Cytogenetic location: 10q26.2.
Variant type: single nucleotide variant.
Coding change: c.222G>C on transcript NM_000375.3 (MANE Select); coding-DNA position 222, G replaced by C.
Protein change: p.Leu74Phe; replaces leucine 74 with phenylalanine.
Molecular consequence: missense variant. On other transcripts: non-coding transcript variant (2).
Genome position (GRCh38, 1-based): chr10:125,815,056, C>G on the plus strand (G>C on the coding strand, the complement: UROS is on the minus strand). VCF-style: chr10-125815056-C-G. GRCh37 (hg19) VCF-style: chr10-127503625-C-G.
Other names: c.222G>C, p.Leu74Phe (NM_001324036.2, NM_001324037.2, NM_001324038.2 and 1 more transcripts); short protein forms L74F.
Identifiers: ClinVar variation 2058649 (VCV002058649.4), dbSNP rs2494142204, ClinGen allele CA378661233.